The following is an entry in ClinVar:

NM_000484.4(APP):c.2239C>T (p.Arg747Cys)

Gene: APP (amyloid beta precursor protein; minus strand). Cytogenetic location: 21q21.3.
Variant type: single nucleotide variant.
Coding change: c.2239C>T on transcript NM_000484.4 (MANE Select); coding-DNA position 2239, C replaced by T.
Protein change: p.Arg747Cys; replaces arginine 747 with cysteine.
Molecular consequence: missense variant.
Genome position (GRCh38, 1-based): chr21:25,881,744, G>A on the plus strand (C>T on the coding strand, the complement: APP is on the minus strand). VCF-style: chr21-25881744-G-A. GRCh37 (hg19) VCF-style: chr21-27254055-G-A.
Other names: c.2167C>T, p.Arg723Cys (NM_001136016.3); c.1846C>T, p.Arg616Cys (NM_001136129.3); c.2071C>T, p.Arg691Cys (NM_001136130.3, NM_001385253.1); c.1909C>T, p.Arg637Cys (NM_001136131.3); c.2185C>T, p.Arg729Cys (NM_001204301.2); c.2128C>T, p.Arg710Cys (NM_001204302.2); c.1960C>T, p.Arg654Cys (NM_001204303.2); c.2182C>T, p.Arg728Cys (NM_201413.3); and 1 more; short protein forms R672C, R691C, R710C, R728C, R747C, R654C, R616C, R723C.
Identifiers: ClinVar variation 4740540 (VCV004740540.1).

ClinVar aggregate classification (germline): Uncertain significance (1 of 4 stars; one submission).

Conditions:
Alzheimer disease. Also called: Presenile and senile dementia; Alzheimer's disease. Identifiers: Orphanet 1020, MedGen C0002395, MeSH D000544, MONDO:0004975, HP:0002511.

Submission:

Labcorp Genetics (formerly Invitae), Labcorp
Classification: Uncertain significance for Alzheimer disease. Last evaluated: 2025-05-08. Review status: criteria provided, single submitter. Criteria: Invitae Variant Classification Sherloc (09022015). Collection method: clinical testing. Allele origin: germline.
Comment: This sequence change replaces arginine, which is basic and polar, with cysteine, which is neutral and slightly polar, at codon 747 of the APP protein (p.Arg747Cys). This variant is present in population databases (no rsID available, gnomAD 0.0009%). This variant has not been reported in the literature in individuals affected with APP-related conditions. Invitae Evidence Modeling of protein sequence and biophysical properties (such as structural, functional, and spatial information, amino acid conservation, physicochemical variation, residue mobility, and thermodynamic stability) indicates that this missense variant is expected to disrupt APP protein function with a positive predictive value of 95%. In summary, the available evidence is currently insufficient to determine the role of this variant in disease. Therefore, it has been classified as a Variant of Uncertain Significance.